The following is an entry in ClinVar:

NM_000053.4(ATP7B):c.2303C>G (p.Pro768Arg)

Gene: ATP7B (ATPase copper transporting beta; minus strand). Cytogenetic location: 13q14.3.
Variant type: single nucleotide variant.
Coding change: c.2303C>G on transcript NM_000053.4 (MANE Select); coding-DNA position 2303, C replaced by G.
Protein change: p.Pro768Arg; replaces proline 768 with arginine.
Molecular consequence: missense variant. On other transcripts: intron variant (2).
Genome position (GRCh38, 1-based): chr13:51,958,363, G>C on the plus strand (C>G on the coding strand, the complement: ATP7B is on the minus strand). VCF-style: chr13-51958363-G-C. GRCh37 (hg19) VCF-style: chr13-52532499-G-C.
Other names: c.1970C>G, p.Pro657Arg (NM_001243182.2); c.2051C>G, p.Pro684Arg (NM_001330579.2); c.1870-756C>G (NM_001005918.3); c.2122-756C>G (NM_001330578.2); short protein forms P684R, P768R, P657R.
Identifiers: ClinVar variation 1480099 (VCV001480099.8), dbSNP rs1057516844, ClinGen allele CA388021777.

ClinVar aggregate classification (germline): Likely pathogenic (1 of 4 stars; one submission).

Conditions:
Wilson disease (WND). Also called: Wilson's disease. Identifiers: Orphanet 905, MedGen C0019202, MONDO:0010200, OMIM 277900. Disease mechanism: loss of function.

gnomAD v4.1: 1 of 1,614,234 alleles (0.000062%); highest among the groups gnomAD compares: South Asian, 0.0011%; no homozygotes.

Submission:

Labcorp Genetics (formerly Invitae), Labcorp
Classification: Likely pathogenic for Wilson disease. Last evaluated: 2021-03-26. Review status: criteria provided, single submitter. Criteria: Invitae Variant Classification Sherloc (09022015). Collection method: clinical testing. Allele origin: germline.
Comment: In summary, the currently available evidence indicates that the variant is pathogenic, but additional data are needed to prove that conclusively. Therefore, this variant has been classified as Likely Pathogenic. This variant disrupts the p.Pro768 amino acid residue in ATP7B. Other variant(s) that disrupt this residue have been determined to be pathogenic (PMID: 17264425, 24720933, 31059521). This suggests that this residue is clinically significant, and that variants that disrupt this residue are likely to be disease-causing. Advanced modeling of protein sequence and biophysical properties (such as structural, functional, and spatial information, amino acid conservation, physicochemical variation, residue mobility, and thermodynamic stability) performed at Invitae indicates that this missense variant is expected to disrupt ATP7B protein function. This variant has not been reported in the literature in individuals with ATP7B-related conditions. This variant is not present in population databases (ExAC no frequency). This sequence change replaces proline with arginine at codon 768 of the ATP7B protein (p.Pro768Arg). The proline residue is highly conserved and there is a moderate physicochemical difference between proline and arginine.

Literature cited by the submitters: PubMed 17264425; PubMed 24720933; PubMed 31059521.